The following is an entry in ClinVar:

ClinVar aggregate classification (germline): Uncertain significance (1 of 4 stars; one submission).

Submission:

Labcorp Genetics (formerly Invitae), Labcorp
Classification: Uncertain significance. Last evaluated: 2021-07-21. Review status: criteria provided, single submitter. Criteria: Invitae Variant Classification Sherloc (09022015). Collection method: clinical testing. Allele origin: germline.
Comment: Algorithms developed to predict the effect of missense changes on protein structure and function are either unavailable or do not agree on the potential impact of this missense change (SIFT: "Tolerated"; PolyPhen-2: "Possibly Damaging"; Align-GVGD: "Class C0"). This sequence change replaces arginine with proline at codon 375 of the HPS5 protein (p.Arg375Pro). The arginine residue is moderately conserved and there is a moderate physicochemical difference between arginine and proline. This variant is not present in population databases (ExAC no frequency). This variant has not been reported in the literature in individuals affected with HPS5-related conditions. In summary, the available evidence is currently insufficient to determine the role of this variant in disease. Therefore, it has been classified as a Variant of Uncertain Significance.

NM_181507.2(HPS5):c.1124G>C (p.Arg375Pro)

Gene: HPS5 (HPS5 biogenesis of lysosomal organelles complex 2 subunit 2; minus strand). Cytogenetic location: 11p15.1.
Variant type: single nucleotide variant.
Coding change: c.1124G>C on transcript NM_181507.2 (MANE Select); coding-DNA position 1124, G replaced by C.
Protein change: p.Arg375Pro; replaces arginine 375 with proline.
Molecular consequence: missense variant.
Genome position (GRCh38, 1-based): chr11:18,298,832, C>G on the plus strand (G>C on the coding strand, the complement: HPS5 is on the minus strand). VCF-style: chr11-18298832-C-G. GRCh37 (hg19) VCF-style: chr11-18320379-C-G.
Other names: c.782G>C, p.Arg261Pro (NM_007216.4, NM_181508.2); short protein forms R261P, R375P.
Identifiers: ClinVar variation 1467897 (VCV001467897.8), dbSNP rs749923910, ClinGen allele CA379498138.
Genomic context (GRCh38, chr11:18,298,832, plus strand): 5'-CTAGGTAAGCTCTGACTCACTCTGCTGGCAATGACAGAATTTTGGAAAAGACAGCATGTA[C>G]GAGCAGCCAAGTTCCATAGGCCTCTTCTTAGCAGGCGTTCCACACAGCGCTCCACAGATA-3'
Protein context (NP_852608.1, residues 365-385): LRRGLWNLAA[Arg375Pro]TCCLFQNSVI